The following is an entry in ClinVar:

NM_001161748.2(LIM2):c.175+113G>C

Genes: LIM2 (lens intrinsic membrane protein 2; minus strand), LIM2-AS1 (LIM2 and SIGLEC10 antisense RNA 1; plus strand). Cytogenetic location: 19q13.41.
Variant type: single nucleotide variant.
Coding change: c.175+113G>C on transcript NM_001161748.2 (MANE Select); 113 bases into the intron after coding-DNA position 175, G replaced by C.
Molecular consequence: intron variant. On other transcripts: missense variant (1).
Genome position (GRCh38, 1-based): chr19:51,387,156, C>G on the plus strand (G>C on the coding strand, the complement: LIM2 is on the minus strand). VCF-style: chr19-51387156-C-G. GRCh37 (hg19) VCF-style: chr19-51890410-C-G.
Other names: c.288G>C, p.Lys96Asn (NM_030657.4); short protein forms K96N.
Identifiers: ClinVar variation 894448 (VCV000894448.7), dbSNP rs754470902, ClinGen allele CA9611574.

ClinVar aggregate classification (germline): Uncertain significance. Review status: criteria provided, multiple submitters, no conflicts (2 of 4 stars). 3 submissions from 3 submitters: Uncertain significance (3). Last evaluated 2025-08-01.

Conditions:
Inborn genetic diseases. Identifiers: MedGen C0950123, MeSH D030342.
Cataract 19 multiple types. Also called: CATARACT 19, CONGENITAL TOTAL; CATARACT 19, CORTICAL PULVERULENT. Identifiers: Orphanet 91492, MedGen C3809004, MONDO:0014111, OMIM 615277.

Allele frequency attached by ClinVar (database versions not stated): gnomAD exomes 0.00002 and 0.00003; ExAC 0.00003; TOPMed 0.00003; gnomAD 0.00005.

Submissions (3):

Ambry Genetics
Classification: Uncertain significance for Inborn genetic diseases. Last evaluated: 2025-08-01. Review status: criteria provided, single submitter. Criteria: Ambry Variant Classification Scheme 2023. Collection method: clinical testing. Allele origin: germline.

Labcorp Genetics (formerly Invitae), Labcorp
Classification: Uncertain significance for Cataract 19 multiple types. Last evaluated: 2024-08-28. Review status: criteria provided, single submitter. Criteria: Invitae Variant Classification Sherloc (09022015). Collection method: clinical testing. Allele origin: germline.
Comment: This sequence change replaces lysine, which is basic and polar, with asparagine, which is neutral and polar, at codon 96 of the LIM2 protein (p.Lys96Asn). This variant is present in population databases (rs754470902, gnomAD 0.009%). This variant has not been reported in the literature in individuals affected with LIM2-related conditions. ClinVar contains an entry for this variant (Variation ID: 894448). An algorithm developed to predict the effect of missense changes on protein structure and function (PolyPhen-2) suggests that this variant is likely to be tolerated. In summary, the available evidence is currently insufficient to determine the role of this variant in disease. Therefore, it has been classified as a Variant of Uncertain Significance.

Illumina Laboratory Services, Illumina
Classification: Uncertain significance for Cataract 19 multiple types. Last evaluated: 2018-01-12. Review status: criteria provided, single submitter. Criteria: ICSL Variant Classification Criteria 13 December 2019. Collection method: clinical testing. Allele origin: germline.